The following is an entry in ClinVar:

NM_000465.4(BARD1):c.2010G>A (p.Lys670=)

Gene: BARD1 (BRCA1 associated RING domain 1; minus strand). Cytogenetic location: 2q35.
Variant type: single nucleotide variant.
Coding change: c.2010G>A on transcript NM_000465.4 (MANE Select); coding-DNA position 2010, G replaced by A.
Protein change: p.Lys670=; no amino-acid change (lysine 670 retained).
Molecular consequence: synonymous variant. On other transcripts: non-coding transcript variant (3).
Genome position (GRCh38, 1-based): chr2:214,729,000, C>T on the plus strand (G>A on the coding strand, the complement: BARD1 is on the minus strand). VCF-style: chr2-214729000-C-T. GRCh37 (hg19) VCF-style: chr2-215593724-C-T.
Other names: c.1953G>A, p.Lys651= (NM_001282543.2); c.657G>A, p.Lys219= (NM_001282545.2); c.600G>A, p.Lys200= (NM_001282548.2); c.471G>A, p.Lys157= (NM_001282549.2).
Identifiers: ClinVar variation 3378624 (VCV003378624.1).

ClinVar aggregate classification (germline): Benign (1 of 4 stars; one submission).

Conditions:
Familial cancer of breast. Also called: hereditary breast carcinoma; Hereditary breast cancer; BREAST CANCER, FAMILIAL. Identifiers: Orphanet 227535, MedGen C0346153, MONDO:0016419, OMIM 114480. Disease mechanism: loss of function.

Submission:

Myriad Genetics, Inc.
Classification: Benign for Familial cancer of breast. Last evaluated: 2024-07-29. Review status: criteria provided, single submitter. Criteria: Myriad Autosomal Dominant, Autosomal Recessive and X-Linked Classification Criteria (2023). Collection method: clinical testing. Allele origin: unknown.
Comment: This variant is considered benign. This variant is a silent/synonymous amino acid change and it is not expected to impact splicing.